The following is an entry in ClinVar:

ClinVar aggregate classification (germline): Likely pathogenic (1 of 4 stars; one submission).

Conditions:
Hereditary spastic paraplegia 15 (SPG15). Also called: SPASTIC PARAPLEGIA 15, AUTOSOMAL RECESSIVE; KJELLIN SYNDROME; SPASTIC PARAPLEGIA AND RETINAL DEGENERATION. Identifiers: Orphanet 100996, MedGen C1849128, MONDO:0010044, OMIM 270700.

Submission:

Myriad Genetics, Inc.
Classification: Likely pathogenic for Hereditary spastic paraplegia 15. Last evaluated: 2022-02-25. Review status: criteria provided, single submitter. Criteria: Myriad Women's Health Autosomal Recessive and X-Linked Classification Criteria (2021). Collection method: clinical testing. Allele origin: unknown.
Comment: NM_015346.3(ZFYVE26):c.3254del1ins9(Q1085Lfs*6) is expected to be pathogenic in the context of spastic paraplegia type 15. This variant is predicted to lead to an abnormal or absent protein product due to the creation of a premature termination codon in ZFYVE26, a gene where loss-of-function variants are known to be pathogenic. Please note: this variant was assessed in the context of healthy population screening.

NM_015346.4(ZFYVE26):c.3254delinsTTATACCTG (p.Gln1085fs)

Gene: ZFYVE26 (zinc finger FYVE-type containing 26; minus strand). Cytogenetic location: 14q24.1.
Variant type: Indel.
Coding change: c.3254delinsTTATACCTG on transcript NM_015346.4 (MANE Select); coding-DNA position 3254, A replaced by TTATACCTG.
Protein change: p.Gln1085fs; shifts the reading frame from glutamine 1085.
Molecular consequence: frameshift variant.
Genome position (GRCh38, 1-based): chr14:67,785,908, T replaced by CAGGTATAA on the plus strand (A replaced by TTATACCTG on the coding strand, the reverse complement: ZFYVE26 is on the minus strand). VCF-style: chr14-67785908-T-CAGGTATAA. GRCh37 (hg19) VCF-style: chr14-68252625-T-CAGGTATAA.
Other names: short protein forms Q1085fs.
Identifiers: ClinVar variation 1724681 (VCV001724681.2), dbSNP rs2502817085, ClinGen allele CA2580088630.
Genomic context (GRCh38, chr14:67,785,908, plus strand): 5'-AGCCTTATACCTGGCAGCTCTAGTGCCTCTCTCAGTGACTGAAGGACCTGATCTAGCTGC[T>CAGGTATAA]GGGAGAGGGTGGTGTGGCTGGCAACACAGTCCTCGCTTAGGCTGGGCCAGCACATCTGAA-3'